The following is an entry in ClinVar:

NM_002473.6(MYH9):c.491-9_491-8del

Gene: MYH9 (myosin heavy chain 9; minus strand). Cytogenetic location: 22q12.3.
Variant type: Deletion.
Coding change: c.491-9_491-8del on transcript NM_002473.6 (MANE Select); 9 bases into the intron before coding-DNA position 491 through 8 bases into the intron before coding-DNA position 491, 2 bases deleted (TT; older notation c.491-9_491-8delTT).
Molecular consequence: intron variant.
Genome position (GRCh38, 1-based): chr22:36,327,496-36,327,497, AA deleted on the plus strand (TT on the coding strand, the reverse complement: MYH9 is on the minus strand); deleting any 2 consecutive bases within chr22:36,327,496-36,327,498 gives the same sequence; the c. name uses the placement nearest the transcript's 3' end. VCF-style (leftmost placement, unchanged base first): chr22-36327495-CAA-C. GRCh37 (hg19) VCF-style: chr22-36723540-CAA-C.
Identifiers: ClinVar variation 3347673 (VCV003347673.1).

ClinVar aggregate classification (germline): Likely benign (0 of 4 stars; one submission).

Conditions:
MYH9-related disorder. Identifiers: MedGen C1854520.

Submission:

PreventionGenetics, part of Exact Sciences
Classification: Likely benign for MYH9-related condition. Last evaluated: 2024-08-29. Review status: no assertion criteria provided. Collection method: clinical testing. Allele origin: germline.
Comment: This variant is classified as likely benign based on ACMG/AMP sequence variant interpretation guidelines (Richards et al. 2015 PMID: 25741868, with internal and published modifications).